The following is an entry in ClinVar:

ClinVar aggregate classification (germline): Uncertain significance (1 of 4 stars; one submission).

Submission:

Labcorp Genetics (formerly Invitae), Labcorp
Classification: Uncertain significance. Last evaluated: 2025-04-14. Review status: criteria provided, single submitter. Criteria: Invitae Variant Classification Sherloc (09022015). Collection method: clinical testing. Allele origin: germline.
Comment: This variant, c.5841_5861dup, results in the insertion of 7 amino acid(s) of the POLE protein (p.Glu1947_Glu1953dup), but otherwise preserves the integrity of the reading frame. This variant is not present in population databases (gnomAD no frequency). This variant has not been reported in the literature in individuals affected with POLE-related conditions. ClinVar contains an entry for this variant (Variation ID: 2855436). In summary, the available evidence is currently insufficient to determine the role of this variant in disease. Therefore, it has been classified as a Variant of Uncertain Significance.

NM_006231.4(POLE):c.5841_5861dup (p.Glu1953_Asp1954insGluAspGluGlnGluAsnGlu)

Gene: POLE (DNA polymerase epsilon, catalytic subunit; minus strand). Cytogenetic location: 12q24.33.
Variant type: Duplication.
Coding change: c.5841_5861dup on transcript NM_006231.4 (MANE Select); coding-DNA positions 5841 to 5861, 21 bases duplicated (GGATGAGCAGGAAAATGAGGA).
Protein change: p.Glu1953_Asp1954insGluAspGluGlnGluAsnGlu.
Molecular consequence: inframe insertion.
Genome position (GRCh38, 1-based): chr12:132,634,329-132,634,349, TCCTCATTTTCCTGCTCATCC duplicated on the plus strand (GGATGAGCAGGAAAATGAGGA on the coding strand, the reverse complement: POLE is on the minus strand); duplicating any 21 consecutive bases within chr12:132,634,329-132,634,351 gives the same sequence; the c. name uses the placement nearest the transcript's 3' end. VCF-style (leftmost placement, unchanged base first): chr12-132634328-G-GTCCTCATTTTCCTGCTCATCC. GRCh37 (hg19) VCF-style: chr12-133210914-G-GTCCTCATTTTCCTGCTCATCC.
Identifiers: ClinVar variation 2855436 (VCV002855436.3), dbSNP rs2541860265, ClinGen allele CA2739277357.